The following is an entry in ClinVar:

NM_001040142.2(SCN2A):c.611_612del (p.Val204fs)

Gene: SCN2A (sodium voltage-gated channel alpha subunit 2; plus strand). Cytogenetic location: 2q24.3.
Variant type: Microsatellite.
Coding change: c.611_612del on transcript NM_001040142.2 (MANE Select); coding-DNA positions 611 to 612, 2 bases deleted (TG; older notation c.611_612delTG).
Protein change: p.Val204fs; shifts the reading frame from valine 204.
Molecular consequence: frameshift variant. On other transcripts: intron variant (2).
Genome position (GRCh38, 1-based): chr2:165,309,357-165,309,358, TG deleted; deleting any 2 consecutive bases within chr2:165,309,355-165,309,358 gives the same sequence; the c. name uses the placement nearest the transcript's 3' end. VCF-style (leftmost placement, unchanged base first): chr2-165309354-ATG-A. GRCh37 (hg19) VCF-style: chr2-166165864-ATG-A.
Other names: c.611_612del, p.Val204fs (NM_001371247.1, NM_021007.3); c.697+101_697+102del (NM_001040143.2, NM_001371246.1); short protein forms V204fs.
Identifiers: ClinVar variation 2628441 (VCV002628441.1), dbSNP rs2467886849, ClinGen allele CA2695196972.

ClinVar aggregate classification (germline): Likely pathogenic (1 of 4 stars; one submission).

Conditions:
SCN2A-related disorder. Also called: SCN2A-related condition; SCN2A-related disorders. Identifiers: MedGen CN382226, MONDO:1060245.

Submission:

PreventionGenetics, part of Exact Sciences
Classification: Likely pathogenic for SCN2A-related condition. Last evaluated: 2022-10-06. Review status: criteria provided, single submitter. Criteria: ACMG Guidelines, 2015. Collection method: clinical testing. Allele origin: germline.
Comment: The SCN2A c.611_612delTG variant is predicted to result in a frameshift and premature protein termination (p.Val204Aspfs*46). To our knowledge, this variant has not been reported in the literature or in a large population database, indicating this variant is rare. Frameshift variants in SCN2A are expected to be pathogenic. This variant is interpreted as likely pathogenic.